The following is an entry in ClinVar:

ClinVar aggregate classification (germline): Uncertain significance. Review status: criteria provided, multiple submitters, no conflicts (2 of 4 stars). 2 submissions from 2 submitters: Uncertain significance (2). Last evaluated 2024-03-26.

Conditions:
LAMB2-related infantile-onset nephrotic syndrome. Also called: NEPHROTIC SYNDROME, TYPE 5, WITHOUT OCULAR ABNORMALITIES; NEPHROTIC SYNDROME, TYPE 5, WITH OCULAR ABNORMALITIES; Nephrotic Syndrome, type 5. Identifiers: Orphanet 306507, MedGen C3280113, MONDO:0013621, OMIM 614199.
Pierson syndrome. Also called: MICROCORIA-CONGENITAL NEPHROTIC SYNDROME. Identifiers: Orphanet 2670, MedGen C1836876, MONDO:0012184, OMIM 609049.

Allele frequency attached by ClinVar (database versions not stated): gnomAD 0.00003; gnomAD exomes 0.00003; ExAC 0.00004.
gnomAD v4.1: 50 of 1,613,138 alleles (0.0031%); highest among the groups gnomAD compares: Middle Eastern, 0.033%; no homozygotes.

Submissions (2):

Fulgent Genetics
Classification: Uncertain significance for Pierson syndrome; LAMB2-related infantile-onset nephrotic syndrome. Last evaluated: 2024-03-26. Review status: criteria provided, single submitter. Criteria: ACMG Guidelines, 2015. Collection method: clinical testing. Allele origin: germline.

Labcorp Genetics (formerly Invitae), Labcorp
Classification: Uncertain significance for LAMB2-related infantile-onset nephrotic syndrome; Pierson syndrome. Last evaluated: 2022-11-15. Review status: criteria provided, single submitter. Criteria: Invitae Variant Classification Sherloc (09022015). Collection method: clinical testing. Allele origin: germline.
Comment: This variant is present in population databases (rs751242273, gnomAD 0.006%). In summary, the available evidence is currently insufficient to determine the role of this variant in disease. Therefore, it has been classified as a Variant of Uncertain Significance. Algorithms developed to predict the effect of missense changes on protein structure and function (SIFT, PolyPhen-2, Align-GVGD) all suggest that this variant is likely to be disruptive. ClinVar contains an entry for this variant (Variation ID: 1466205). This variant has not been reported in the literature in individuals affected with LAMB2-related conditions. This sequence change replaces arginine, which is basic and polar, with glutamine, which is neutral and polar, at codon 1199 of the LAMB2 protein (p.Arg1199Gln).

NM_002292.4(LAMB2):c.3596G>A (p.Arg1199Gln)

Gene: LAMB2 (laminin subunit beta 2; minus strand). Cytogenetic location: 3p21.31.
Variant type: single nucleotide variant.
Coding change: c.3596G>A on transcript NM_002292.4 (MANE Select); coding-DNA position 3596, G replaced by A.
Protein change: p.Arg1199Gln; replaces arginine 1199 with glutamine.
Molecular consequence: missense variant.
Genome position (GRCh38, 1-based): chr3:49,123,929, C>T on the plus strand (G>A on the coding strand, the complement: LAMB2 is on the minus strand). VCF-style: chr3-49123929-C-T. GRCh37 (hg19) VCF-style: chr3-49161362-C-T.
Other names: short protein forms R1199Q.
Identifiers: ClinVar variation 1466205 (VCV001466205.7), dbSNP rs751242273, ClinGen allele CA2394005.